The following is an entry in ClinVar:

NM_004369.4(COL6A3):c.3280G>A (p.Ala1094Thr)

Gene: COL6A3 (collagen type VI alpha 3 chain; minus strand). Cytogenetic location: 2q37.3.
Variant type: single nucleotide variant.
Coding change: c.3280G>A on transcript NM_004369.4 (MANE Select); coding-DNA position 3280, G replaced by A.
Protein change: p.Ala1094Thr; replaces alanine 1094 with threonine.
Molecular consequence: missense variant.
Genome position (GRCh38, 1-based): chr2:237,374,811, C>T on the plus strand (G>A on the coding strand, the complement: COL6A3 is on the minus strand). VCF-style: chr2-237374811-C-T. GRCh37 (hg19) VCF-style: chr2-238283454-C-T.
Other names: c.2059G>A, p.Ala687Thr (NM_057164.5); c.2662G>A, p.Ala888Thr (NM_057165.5, NM_057167.4); c.1459G>A, p.Ala487Thr (NM_057166.5); short protein forms A1094T, A487T, A687T, A888T.
Identifiers: ClinVar variation 1053305 (VCV001053305.8), dbSNP rs369460632, ClinGen allele CA2189199.

ClinVar aggregate classification (germline): Conflicting classifications of pathogenicity. Review status: criteria provided, conflicting classifications (1 of 4 stars). 2 submissions from 2 submitters: Uncertain significance (1); Likely benign (1). Last evaluated 2024-01-21.

Conditions:
Bethlem myopathy 1A. Also called: Bethlem Muscular Dystrophy; MYOPATHY, BENIGN CONGENITAL, WITH CONTRACTURES; Bethlem myopathy 1. Identifiers: Orphanet 610, MedGen CN029274, MONDO:0024530, OMIM 158810.

Allele frequency attached by ClinVar (database versions not stated): gnomAD 0.00001; gnomAD exomes 0.00002.
gnomAD v4.1: 112 of 1,613,910 alleles (0.0069%); highest among the groups gnomAD compares: Non-Finnish European, 0.0092%; no homozygotes.

Submissions (2):

Labcorp Genetics (formerly Invitae), Labcorp
Classification: Likely benign for Bethlem myopathy 1A. Last evaluated: 2024-01-21. Review status: criteria provided, single submitter. Criteria: Invitae Variant Classification Sherloc (09022015). Collection method: clinical testing. Allele origin: germline.

GeneDx
Classification: Uncertain significance. Last evaluated: 2019-10-10. Review status: criteria provided, single submitter. Criteria: GeneDx Variant Classification Process June 2021. Collection method: clinical testing. Allele origin: germline. Affected: yes.
Comment: In silico analysis, which includes protein predictors and evolutionary conservation, supports a deleterious effect; Has not been previously published as pathogenic or benign to our knowledge